The following is an entry in ClinVar:

NM_018008.4(FEZF2):c.364G>A (p.Gly122Ser)

Gene: FEZF2 (FEZ family zinc finger 2; minus strand). Cytogenetic location: 3p14.2.
Variant type: single nucleotide variant.
Coding change: c.364G>A on transcript NM_018008.4 (MANE Select); coding-DNA position 364, G replaced by A.
Protein change: p.Gly122Ser; replaces glycine 122 with serine.
Molecular consequence: missense variant.
Genome position (GRCh38, 1-based): chr3:62,372,505, C>T on the plus strand (G>A on the coding strand, the complement: FEZF2 is on the minus strand). VCF-style: chr3-62372505-C-T. GRCh37 (hg19) VCF-style: chr3-62358180-C-T.
Other names: short protein forms G122S.
Identifiers: ClinVar variation 3363759 (VCV003363759.1).

ClinVar aggregate classification (germline): Uncertain significance (1 of 4 stars; one submission).

gnomAD v4.1: 2 of 1,398,398 alleles (0.00014%); highest among the groups gnomAD compares: Non-Finnish European, 0.00019%; no homozygotes.

Submission:

GeneDx
Classification: Uncertain significance. Last evaluated: 2023-11-08. Review status: criteria provided, single submitter. Criteria: GeneDx Variant Classification Process June 2021. Collection method: clinical testing. Allele origin: germline. Affected: yes.
Comment: Not observed at significant frequency in large population cohorts (gnomAD); In silico analysis supports that this missense variant does not alter protein structure/function; Has not been previously published as pathogenic or benign to our knowledge; Variants in candidate genes are classified as variants of uncertain significance in accordance with ACMG guidelines (PMID: 25741868)